The following is an entry in ClinVar:

NM_052945.4(TNFRSF13C):c.209C>T (p.Ala70Val)

Genes: TNFRSF13C (TNF receptor superfamily member 13C; minus strand), LOC130067574 (ATAC-STARR-seq lymphoblastoid silent region 13813; plus strand). Cytogenetic location: 22q13.2.
Variant type: single nucleotide variant.
Coding change: c.209C>T on transcript NM_052945.4 (MANE Select); coding-DNA position 209, C replaced by T.
Protein change: p.Ala70Val; replaces alanine 70 with valine.
Molecular consequence: missense variant.
Genome position (GRCh38, 1-based): chr22:41,926,259, G>A on the plus strand (C>T on the coding strand, the complement: TNFRSF13C is on the minus strand). VCF-style: chr22-41926259-G-A. GRCh37 (hg19) VCF-style: chr22-42322263-G-A.
Other names: short protein forms A70V.
Identifiers: ClinVar variation 1482096 (VCV001482096.8), dbSNP rs1234917601, ClinGen allele CA411763272.
Genomic context (GRCh38, chr22:41,926,259, plus strand): 5'-ACCAGTGCCAGGCCCAGCAGCGCGGGGGCGCCAAAGAGCAGCCCGGGCAGGGGCAGCGCC[G>A]CCTCGCCGGCCCCCGCGCCCACCGACTCCTGCGGCTGCAGCGCCGTCCTGGGCGCAGGGC-3'
Protein context (NP_443177.1, residues 60-80): QESVGAGAGE[Ala70Val]ALPLPGLLFG

ClinVar aggregate classification (germline): Uncertain significance (1 of 4 stars; one submission).

Conditions:
Immunodeficiency, common variable, 4. Also called: ANTIBODY DEFICIENCY DUE TO BAFFR DEFECT. Identifiers: Orphanet 1572, Orphanet 696925, MedGen C3150739, MONDO:0013284, OMIM 613494.

Submission:

Labcorp Genetics (formerly Invitae), Labcorp
Classification: Uncertain significance for Immunodeficiency, common variable, 4. Last evaluated: 2020-11-06. Review status: criteria provided, single submitter. Criteria: Invitae Variant Classification Sherloc (09022015). Collection method: clinical testing. Allele origin: germline.
Comment: This sequence change replaces alanine with valine at codon 70 of the TNFRSF13C protein (p.Ala70Val). The alanine residue is moderately conserved and there is a small physicochemical difference between alanine and valine. The frequency data for this variant in the population databases is considered unreliable, as metrics indicate insufficient coverage at this position in the ExAC database. This variant has not been reported in the literature in individuals with TNFRSF13C-related conditions. Algorithms developed to predict the effect of missense changes on protein structure and function output the following: SIFT: "Deleterious"; PolyPhen-2: "Benign"; Align-GVGD: "Class C0". The valine amino acid residue is found in multiple mammalian species, suggesting that this missense change does not adversely affect protein function. These predictions have not been confirmed by published functional studies and their clinical significance is uncertain. Algorithms developed to predict the effect of sequence changes on RNA splicing suggest that this variant may create or strengthen a splice site, but this prediction has not been confirmed by published transcriptional studies. In summary, the available evidence is currently insufficient to determine the role of this variant in disease. Therefore, it has been classified as a Variant of Uncertain Significance.